The following is an entry in ClinVar:

NM_000540.3(RYR1):c.1781G>A (p.Arg594Lys)

Gene: RYR1 (ryanodine receptor 1; plus strand). Cytogenetic location: 19q13.2.
Variant type: single nucleotide variant.
Coding change: c.1781G>A on transcript NM_000540.3 (MANE Select); coding-DNA position 1781, G replaced by A.
Protein change: p.Arg594Lys; replaces arginine 594 with lysine.
Molecular consequence: missense variant.
Genome position (GRCh38, 1-based): chr19:38,455,741, G>A. VCF-style: chr19-38455741-G-A. GRCh37 (hg19) VCF-style: chr19-38946381-G-A.
Other names: c.1781G>A, p.Arg594Lys (NM_001042723.2); short protein forms R594K.
Identifiers: ClinVar variation 3073929 (VCV003073929.1), dbSNP rs183860084, ClinGen allele CA062385.

ClinVar aggregate classification (germline): Uncertain significance (1 of 4 stars; one submission).

Conditions:
Malignant hyperthermia, susceptibility to, 1 (MHS1). Also called: Anesthesia related hyperthermia; Malignant hyperpyrexia; Fulminating hyperpyrexia; Pharmacogenic myopathy; RYR1-Related Malignant Hyperthermia Susceptibility; Malignant hyperthermia suceptibility 1. Identifiers: Orphanet 423, MedGen C2930980, MONDO:0007783, OMIM 145600.

Allele frequency attached by ClinVar (database versions not stated): ExAC 0.00001; gnomAD 0.00001; 1000 Genomes Project 30x 0.00016; 1000 Genomes Project 0.00020.

Submission:

All of Us Research Program, National Institutes of Health
Classification: Uncertain significance for Malignant hyperthermia, susceptibility to, 1. Last evaluated: 2023-11-30. Review status: criteria provided, single submitter. Criteria: ACMG Guidelines, 2015. Collection method: clinical testing. Allele origin: germline. Inheritance: Autosomal dominant inheritance. Observed: 1 variant allele, 1 heterozygote.
Comment: This study involves interpretation of variants in research participants for the purpose of population health screening. Participant phenotype was not available at the time of variant classification. Additional details can be found in publication PMID: 35346344, PMCID: PMC8962531